The following is an entry in ClinVar:

ClinVar aggregate classification (germline): Uncertain significance. Review status: criteria provided, multiple submitters, no conflicts (2 of 4 stars). 3 submissions from 3 submitters: Uncertain significance (3). Last evaluated 2025-11-05.

Conditions:
Tietz syndrome (TADS). Also called: HYPOPIGMENTATION/DEAFNESS OF TIETZ; TIETZ ALBINISM-DEAFNESS SYNDROME; ALBINISM-DEAFNESS OF TIETZ. Identifiers: Orphanet 42665, MedGen C0391816, MONDO:0007077, OMIM 103500.
Melanoma, cutaneous malignant, susceptibility to, 8. Also called: MELANOMA AND RENAL CELL CARCINOMA, SUSCEPTIBILITY TO; Cutaneous malignant melanoma 8. Identifiers: Orphanet 293822, MedGen C3152204, MONDO:0013759, OMIM 614456.
Waardenburg syndrome type 2A (WS2A). Also called: WAARDENBURG SYNDROME WITHOUT DYSTOPIA CANTHORUM. Identifiers: Orphanet 3440, MedGen C1860339, MONDO:0008671, OMIM 193510.
Hereditary cancer-predisposing syndrome. Also called: Tumor predisposition; Neoplastic Syndromes, Hereditary; Hereditary Cancer Syndrome; Hereditary neoplastic syndrome. Identifiers: Orphanet 140162, MedGen C0027672, MeSH D009386, MONDO:0015356.

Submissions (3):

Labcorp Genetics (formerly Invitae), Labcorp
Classification: Uncertain significance for Melanoma, cutaneous malignant, susceptibility to, 8; Waardenburg syndrome type 2A; Tietz syndrome. Last evaluated: 2025-11-05. Review status: criteria provided, single submitter. Criteria: Invitae Variant Classification Sherloc (09022015). Collection method: clinical testing. Allele origin: germline.
Comment: This sequence change replaces asparagine, which is neutral and polar, with serine, which is neutral and polar, at codon 172 of the MITF protein (p.Asn172Ser). This variant is present in population databases (rs766852891, gnomAD 0.06%). This variant has not been reported in the literature in individuals affected with MITF-related conditions. ClinVar contains an entry for this variant (Variation ID: 3873201). Invitae Evidence Modeling of protein sequence and biophysical properties (such as structural, functional, and spatial information, amino acid conservation, physicochemical variation, residue mobility, and thermodynamic stability) indicates that this missense variant is not expected to disrupt MITF protein function with a negative predictive value of 80%. In summary, the available evidence is currently insufficient to determine the role of this variant in disease. Therefore, it has been classified as a Variant of Uncertain Significance.

GeneDx
Classification: Uncertain significance. Last evaluated: 2025-07-18. Review status: criteria provided, single submitter. Criteria: GeneDx Variant Classification Process June 2021. Collection method: clinical testing. Allele origin: germline. Affected: yes.
Comment: In silico analysis supports that this missense variant has a deleterious effect on protein structure/function; Has not been previously published as pathogenic or benign to our knowledge

Ambry Genetics
Classification: Uncertain significance for Hereditary cancer-predisposing syndrome. Last evaluated: 2024-12-16. Review status: criteria provided, single submitter. Criteria: Ambry Variant Classification Scheme 2023. Collection method: clinical testing. Allele origin: germline.
Comment: The p.N172S variant (also known as c.515A>G), located in coding exon 5 of the MITF gene, results from an A to G substitution at nucleotide position 515. The asparagine at codon 172 is replaced by serine, an amino acid with highly similar properties. This amino acid position is conserved. In addition, this alteration is predicted to be tolerated by in silico analysis. Based on the available evidence, the clinical significance of this variant remains unclear.

NM_001354604.2(MITF):c.836A>G (p.Asn279Ser)

Gene: MITF (melanocyte inducing transcription factor; plus strand). Cytogenetic location: 3p13.
Variant type: single nucleotide variant.
Coding change: c.836A>G on transcript NM_001354604.2 (MANE Select); coding-DNA position 836, A replaced by G.
Protein change: p.Asn279Ser; replaces asparagine 279 with serine.
Molecular consequence: missense variant.
Genome position (GRCh38, 1-based): chr3:69,949,124, A>G. VCF-style: chr3-69949124-A-G. GRCh37 (hg19) VCF-style: chr3-69998275-A-G.
Other names: c.515A>G, p.Asn172Ser (NM_000248.4, NM_198158.3); c.680A>G, p.Asn227Ser (NM_001184967.2, NM_001354608.2); c.833A>G, p.Asn278Ser (NM_001354605.2, NM_001354606.2, NM_006722.3); c.785A>G, p.Asn262Ser (NM_001354607.2); c.836A>G, p.Asn279Ser (NM_198159.3); c.788A>G, p.Asn263Ser (NM_198177.3); c.347A>G, p.Asn116Ser (NM_198178.3); short protein forms N263S, N172S, N279S, N116S, N278S, N227S, N262S.
Identifiers: ClinVar variation 3873201 (VCV003873201.3).